The following is an entry in ClinVar:

ClinVar aggregate classification (germline): Uncertain significance (1 of 4 stars; one submission).

Submission:

Ambry Genetics
Classification: Uncertain significance. Last evaluated: 2021-11-06. Review status: criteria provided, single submitter. Criteria: Ambry Variant Classification Scheme 2023. Collection method: clinical testing. Allele origin: germline.
Comment: The p.L815S variant (also known as c.2444T>C), located in coding exon 13 of the NPAT gene, results from a T to C substitution at nucleotide position 2444. The leucine at codon 815 is replaced by serine, an amino acid with dissimilar properties. This amino acid position is conserved. In addition, this alteration is predicted to be tolerated by in silico analysis. Since supporting evidence is limited at this time, the clinical significance of this alteration remains unclear.

NM_002519.3(NPAT):c.2444T>C (p.Leu815Ser)

Gene: NPAT (nuclear protein, coactivator of histone transcription; minus strand). Cytogenetic location: 11q22.3.
Variant type: single nucleotide variant.
Coding change: c.2444T>C on transcript NM_002519.3 (MANE Select); coding-DNA position 2444, T replaced by C.
Protein change: p.Leu815Ser; replaces leucine 815 with serine.
Molecular consequence: missense variant.
Genome position (GRCh38, 1-based): chr11:108,172,540, A>G on the plus strand (T>C on the coding strand, the complement: NPAT is on the minus strand). VCF-style: chr11-108172540-A-G. GRCh37 (hg19) VCF-style: chr11-108043267-A-G.
Other names: c.2444T>C, p.Leu815Ser (NM_001321307.1); short protein forms L815S.
Identifiers: ClinVar variation 1791375 (VCV001791375.2), dbSNP rs2077962170, ClinGen allele CA382512969.